The following is an entry in ClinVar:

NM_000263.4(NAGLU):c.359A>G (p.Glu120Gly)

Gene: NAGLU (N-acetyl-alpha-glucosaminidase; plus strand). Cytogenetic location: 17q21.2.
Variant type: single nucleotide variant.
Coding change: c.359A>G on transcript NM_000263.4 (MANE Select); coding-DNA position 359, A replaced by G.
Protein change: p.Glu120Gly; replaces glutamic acid 120 with glycine.
Molecular consequence: missense variant.
Genome position (GRCh38, 1-based): chr17:42,536,631, A>G. VCF-style: chr17-42536631-A-G. GRCh37 (hg19) VCF-style: chr17-40688649-A-G.
Other names: short protein forms E120G.
Identifiers: ClinVar variation 1994660 (VCV001994660.1), dbSNP rs2092907090, ClinGen allele CA399596283.

ClinVar aggregate classification (germline): Uncertain significance (1 of 4 stars; one submission).

Conditions:
Mucopolysaccharidosis, MPS-III-B (MPS3B). Also called: N-ACETYL-ALPHA-D-GLUCOSAMINIDASE DEFICIENCY; NAGLU DEFICIENCY; SANFILIPPO SYNDROME B; MPS III B; Mucopolysaccharidosis type IIIB (Sanfilippo B); MPS IIIB (Sanfilippo Syndrome Type B). Identifiers: Orphanet 79270, MedGen C0086648, MONDO:0009656, OMIM 252920.
Charcot-Marie-Tooth disease axonal type 2V. Also called: CHARCOT-MARIE-TOOTH NEUROPATHY, TYPE 2V; CHARCOT-MARIE-TOOTH DISEASE, AXONAL, AUTOSOMAL DOMINANT, TYPE 2V. Identifiers: Orphanet 447964, MedGen C5569050, MONDO:0014665, OMIM 616491.

gnomAD v4.1: 2 of 1,495,612 alleles (0.00013%); highest among the groups gnomAD compares: Admixed American, 0.0022%; no homozygotes.

Submission:

Labcorp Genetics (formerly Invitae), Labcorp
Classification: Uncertain significance for Charcot-Marie-Tooth disease axonal type 2V; Mucopolysaccharidosis, MPS-III-B. Last evaluated: 2022-05-15. Review status: criteria provided, single submitter. Criteria: Invitae Variant Classification Sherloc (09022015). Collection method: clinical testing. Allele origin: germline.
Comment: This sequence change replaces glutamic acid, which is acidic and polar, with glycine, which is neutral and non-polar, at codon 120 of the NAGLU protein (p.Glu120Gly). This variant is not present in population databases (gnomAD no frequency). This variant has not been reported in the literature in individuals affected with NAGLU-related conditions. Advanced modeling of protein sequence and biophysical properties (such as structural, functional, and spatial information, amino acid conservation, physicochemical variation, residue mobility, and thermodynamic stability) performed at Invitae indicates that this missense variant is not expected to disrupt NAGLU protein function. In summary, the available evidence is currently insufficient to determine the role of this variant in disease. Therefore, it has been classified as a Variant of Uncertain Significance.